The following is an entry in ClinVar:

NM_022772.4(EPS8L2):c.255G>T (p.Glu85Asp)

Gene: EPS8L2 (EPS8 signaling adaptor L2; plus strand). Cytogenetic location: 11p15.5.
Variant type: single nucleotide variant.
Coding change: c.255G>T on transcript NM_022772.4 (MANE Select); coding-DNA position 255, G replaced by T.
Protein change: p.Glu85Asp; replaces glutamic acid 85 with aspartic acid.
Molecular consequence: missense variant.
Genome position (GRCh38, 1-based): chr11:720,151, G>T. VCF-style: chr11-720151-G-T. GRCh37 (hg19) VCF-style: chr11-720151-G-T.
Other names: short protein forms E85D.
Identifiers: ClinVar variation 1955735 (VCV001955735.5), dbSNP rs2494628953, ClinGen allele CA378962022.

ClinVar aggregate classification (germline): Uncertain significance (1 of 4 stars; one submission).

Submission:

Labcorp Genetics (formerly Invitae), Labcorp
Classification: Uncertain significance. Last evaluated: 2022-03-14. Review status: criteria provided, single submitter. Criteria: Invitae Variant Classification Sherloc (09022015). Collection method: clinical testing. Allele origin: germline.
Comment: In summary, the available evidence is currently insufficient to determine the role of this variant in disease. Therefore, it has been classified as a Variant of Uncertain Significance. Algorithms developed to predict the effect of missense changes on protein structure and function (SIFT, PolyPhen-2, Align-GVGD) all suggest that this variant is likely to be tolerated. This variant has not been reported in the literature in individuals affected with EPS8L2-related conditions. This variant is not present in population databases (gnomAD no frequency). This sequence change replaces glutamic acid, which is acidic and polar, with aspartic acid, which is acidic and polar, at codon 85 of the EPS8L2 protein (p.Glu85Asp).